The following is an entry in ClinVar:

ClinVar aggregate classification (germline): Likely benign. Review status: criteria provided, multiple submitters, no conflicts (2 of 4 stars). 3 submissions from 3 submitters: Likely benign (3). Last evaluated 2022-03-27.

Conditions:
Brown-Vialetto-van Laere syndrome 2. Also called: Riboflavin transporter deficiency type 2; SPINOCEREBELLAR ATAXIA WITH BLINDNESS AND DEAFNESS 2. Identifiers: Orphanet 572543, Orphanet 97229, MedGen C3553538, MONDO:0013867, OMIM 614707.
Inborn genetic diseases. Identifiers: MedGen C0950123, MeSH D030342.

Allele frequency attached by ClinVar (database versions not stated): TOPMed below 0.00001; gnomAD 0.00001.

Submissions (3):

Labcorp Genetics (formerly Invitae), Labcorp
Classification: Likely benign for Brown-Vialetto-van Laere syndrome 2. Last evaluated: 2022-03-27. Review status: criteria provided, single submitter. Criteria: Invitae Variant Classification Sherloc (09022015). Collection method: clinical testing. Allele origin: germline.

Ambry Genetics
Classification: Likely benign for Inborn genetic diseases. Last evaluated: 2019-07-11. Review status: criteria provided, single submitter. Criteria: Ambry Variant Classification Scheme 2023. Collection method: clinical testing. Allele origin: germline.

GeneDx
Classification: Likely benign. Last evaluated: 2017-10-19. Review status: criteria provided, single submitter. Criteria: GeneDx Variant Classification (06012015). Collection method: clinical testing. Allele origin: germline. Affected: yes.
Comment: This variant is considered likely benign or benign based on one or more of the following criteria: it is a conservative change, it occurs at a poorly conserved position in the protein, it is predicted to be benign by multiple in silico algorithms, and/or has population frequency not consistent with disease.

NM_001363118.2(SLC52A2):c.36C>T (p.Thr12=)

Gene: SLC52A2 (solute carrier family 52 member 2; plus strand). Cytogenetic location: 8q24.3.
Variant type: single nucleotide variant.
Coding change: c.36C>T on transcript NM_001363118.2 (MANE Select); coding-DNA position 36, C replaced by T.
Protein change: p.Thr12=; no amino-acid change (threonine 12 retained).
Molecular consequence: synonymous variant.
Genome position (GRCh38, 1-based): chr8:144,359,329, C>T. VCF-style: chr8-144359329-C-T. GRCh37 (hg19) VCF-style: chr8-145582989-C-T.
Other names: c.36C>T, p.Thr12= (NM_001253815.2, NM_001253816.2, NM_001363120.2 and 3 more transcripts).
Identifiers: ClinVar variation 512756 (VCV000512756.10), dbSNP rs1200985633, ClinGen allele CA463443767.
Genomic context (GRCh38, chr8:144,359,329, plus strand): 5'-CTGGAAGGGCCCAGCCTTGGGCTGAATGGCAGCACCCACGCCCGCCCGTCCGGTGCTGAC[C>T]CACCTGCTGGTGGCTCTCTTCGGCATGGGCTCCTGGGCTGCGGTCAATGGGATCTGGGTG-3'
Protein context (NP_001350047.1, residues 2-22): AAPTPARPVL[Thr12=]HLLVALFGMG